The following is an entry in ClinVar:

NM_006231.4(POLE):c.2974G>T (p.Ala992Ser)

Gene: POLE (DNA polymerase epsilon, catalytic subunit; minus strand). Cytogenetic location: 12q24.33.
Variant type: single nucleotide variant.
Coding change: c.2974G>T on transcript NM_006231.4 (MANE Select); coding-DNA position 2974, G replaced by T.
Protein change: p.Ala992Ser; replaces alanine 992 with serine.
Molecular consequence: missense variant.
Genome position (GRCh38, 1-based): chr12:132,661,055, C>A on the plus strand (G>T on the coding strand, the complement: POLE is on the minus strand). VCF-style: chr12-132661055-C-A. GRCh37 (hg19) VCF-style: chr12-133237641-C-A.
Other names: short protein forms A992S.
Identifiers: ClinVar variation 4809172 (VCV004809172.1).

ClinVar aggregate classification (germline): Uncertain significance (1 of 4 stars; one submission).

Submission:

Labcorp Genetics (formerly Invitae), Labcorp
Classification: Uncertain significance. Last evaluated: 2025-02-27. Review status: criteria provided, single submitter. Criteria: Invitae Variant Classification Sherloc (09022015). Collection method: clinical testing. Allele origin: germline.
Comment: This sequence change replaces alanine, which is neutral and non-polar, with serine, which is neutral and polar, at codon 992 of the POLE protein (p.Ala992Ser). This variant is not present in population databases (gnomAD no frequency). This variant has not been reported in the literature in individuals affected with POLE-related conditions. Invitae Evidence Modeling of protein sequence and biophysical properties (such as structural, functional, and spatial information, amino acid conservation, physicochemical variation, residue mobility, and thermodynamic stability) indicates that this missense variant is not expected to disrupt POLE protein function with a negative predictive value of 80%. In summary, the available evidence is currently insufficient to determine the role of this variant in disease. Therefore, it has been classified as a Variant of Uncertain Significance.